The following is an entry in ClinVar:

NM_000212.3(ITGB3):c.884A>G (p.Asn295Ser)

Gene: ITGB3 (integrin subunit beta 3; plus strand). Cytogenetic location: 17q21.32.
Variant type: single nucleotide variant.
Coding change: c.884A>G on transcript NM_000212.3 (MANE Select); coding-DNA position 884, A replaced by G.
Protein change: p.Asn295Ser; replaces asparagine 295 with serine.
Molecular consequence: missense variant.
Genome position (GRCh38, 1-based): chr17:47,287,176, A>G. VCF-style: chr17-47287176-A-G. GRCh37 (hg19) VCF-style: chr17-45364542-A-G.
Other names: short protein forms N295S.
Identifiers: ClinVar variation 2172608 (VCV002172608.1), dbSNP rs983542794, ClinGen allele CA291224994.

ClinVar aggregate classification (germline): Uncertain significance (1 of 4 stars; one submission).

Allele frequency attached by ClinVar (database versions not stated): gnomAD exomes below 0.00001; TOPMed 0.00001.
gnomAD v4.1: 4 of 1,614,038 alleles (0.00025%); highest among the groups gnomAD compares: East Asian, 0.0022%; no homozygotes.

Submission:

Labcorp Genetics (formerly Invitae), Labcorp
Classification: Uncertain significance. Last evaluated: 2022-09-23. Review status: criteria provided, single submitter. Criteria: Invitae Variant Classification Sherloc (09022015). Collection method: clinical testing. Allele origin: germline.
Comment: This sequence change replaces asparagine, which is neutral and polar, with serine, which is neutral and polar, at codon 295 of the ITGB3 protein (p.Asn295Ser). This variant is present in population databases (no rsID available, gnomAD 0.006%). This variant has not been reported in the literature in individuals affected with ITGB3-related conditions. Advanced modeling of protein sequence and biophysical properties (such as structural, functional, and spatial information, amino acid conservation, physicochemical variation, residue mobility, and thermodynamic stability) performed at Invitae indicates that this missense variant is not expected to disrupt ITGB3 protein function. In summary, the available evidence is currently insufficient to determine the role of this variant in disease. Therefore, it has been classified as a Variant of Uncertain Significance.